The following is an entry in ClinVar:

NM_025132.4(WDR19):c.42C>T (p.Gly14=)

Gene: WDR19 (WD repeat domain 19; plus strand). Cytogenetic location: 4p14.
Variant type: single nucleotide variant.
Coding change: c.42C>T on transcript NM_025132.4 (MANE Select); coding-DNA position 42, C replaced by T.
Protein change: p.Gly14=; no amino-acid change (glycine 14 retained).
Molecular consequence: synonymous variant. On other transcripts: 5 prime UTR variant (1).
Genome position (GRCh38, 1-based): chr4:39,185,761, C>T. VCF-style: chr4-39185761-C-T. GRCh37 (hg19) VCF-style: chr4-39187381-C-T.
Other names: c.-323C>T (NM_001317924.2); c.42C>T (NM_025132.3).
Identifiers: ClinVar variation 1627893 (VCV001627893.11), dbSNP rs531575276, ClinGen allele CA2891513.

ClinVar aggregate classification (germline): Likely benign. Review status: criteria provided, multiple submitters, no conflicts (2 of 4 stars). 3 submissions from 3 submitters: Likely benign (2). 1 of the submissions does not count toward it. Last evaluated 2025-04-14.

Conditions:
Spermatogenic failure 72 (SPGF72). Identifiers: MedGen C5676980, MONDO:0030809, OMIM 619867.
Nephronophthisis 13 (NPHP13). Identifiers: Orphanet 655, MedGen C3280612, MONDO:0013718, OMIM 614377.
Asphyxiating thoracic dystrophy 5 (SRTD5). Also called: SHORT-RIB THORACIC DYSPLASIA 5 WITH OR WITHOUT POLYDACTYLY; SHORT-RIB THORACIC DYSPLASIA 5 WITHOUT POLYDACTYLY. Identifiers: Orphanet 474, MedGen C3280598, MONDO:0013717, OMIM 614376.
Cranioectodermal dysplasia 4 (CED4). Identifiers: Orphanet 1515, MedGen C3280616, MONDO:0013719, OMIM 614378.
Senior-Loken syndrome 8 (SLSN8). Identifiers: Orphanet 3156, MedGen C4225376, MONDO:0014579, OMIM 616307.
WDR19-related disorder. Also called: WDR19-related condition; WDR19-related disorders. Identifiers: MedGen CN380161.

Allele frequency attached by ClinVar (database versions not stated): gnomAD 0.00001 and 0.00003; TOPMed 0.00003; gnomAD exomes 0.00011; ExAC 0.00021; 1000 Genomes Project 30x 0.00031; 1000 Genomes Project 0.00040.
gnomAD v4.1: 43 of 1,559,046 alleles (0.0028%); highest among the groups gnomAD compares: East Asian, 0.072%; no homozygotes.

Submissions (3):

Labcorp Genetics (formerly Invitae), Labcorp
Classification: Likely benign for Senior-Loken syndrome 8; Asphyxiating thoracic dystrophy 5. Last evaluated: 2025-04-14. Review status: criteria provided, single submitter. Criteria: Invitae Variant Classification Sherloc (09022015). Collection method: clinical testing. Allele origin: germline.

Fulgent Genetics
Classification: Likely benign for Asphyxiating thoracic dystrophy 5; Nephronophthisis 13; Cranioectodermal dysplasia 4; Senior-Loken syndrome 8; Spermatogenic failure 72. Last evaluated: 2021-10-12. Review status: criteria provided, single submitter. Criteria: ACMG Guidelines, 2015. Collection method: clinical testing. Allele origin: unknown.

PreventionGenetics, part of Exact Sciences
Classification: Likely benign for WDR19-related condition. Last evaluated: 2019-04-09. Review status: no assertion criteria provided. Collection method: clinical testing. Allele origin: germline. Not counted in ClinVar's aggregate classification.
Comment: This variant is classified as likely benign based on ACMG/AMP sequence variant interpretation guidelines (Richards et al. 2015 PMID: 25741868, with internal and published modifications).